The following is an entry in ClinVar:

ClinVar aggregate classification (germline): Uncertain significance (1 of 4 stars; one submission).

Submission:

GeneDx
Classification: Uncertain significance. Last evaluated: 2022-05-06. Review status: criteria provided, single submitter. Criteria: GeneDx Variant Classification Process June 2021. Collection method: clinical testing. Allele origin: germline. Affected: yes.
Comment: Not observed at significant frequency in large population cohorts (gnomAD); In silico analysis supports that this missense variant has a deleterious effect on protein structure/function; Has not been previously published as pathogenic or benign to our knowledge

NM_001271.4(CHD2):c.5372C>A (p.Pro1791His)

Gene: CHD2 (chromodomain helicase DNA binding protein 2; plus strand). Cytogenetic location: 15q26.1.
Variant type: single nucleotide variant.
Coding change: c.5372C>A on transcript NM_001271.4 (MANE Select); coding-DNA position 5372, C replaced by A.
Protein change: p.Pro1791His; replaces proline 1791 with histidine.
Molecular consequence: missense variant.
Genome position (GRCh38, 1-based): chr15:93,024,590, C>A. VCF-style: chr15-93024590-C-A. GRCh37 (hg19) VCF-style: chr15-93567820-C-A.
Other names: short protein forms P1791H.
Identifiers: ClinVar variation 1800885 (VCV001800885.1), dbSNP rs2054571091, ClinGen allele CA393908639.